The following is an entry in ClinVar:

ClinVar aggregate classification (germline): Likely benign. Review status: criteria provided, single submitter (1 of 4 stars). 2 submissions from 2 submitters: Likely benign (1). 1 of the submissions does not count toward it. Last evaluated 2025-05-22.

Conditions:
SCN9A-related disorder. Also called: SCN9A-related disorders; SCN9A-related condition.
Neuropathy, hereditary sensory and autonomic, type 2A (HSAN2A). Also called: MORVAN DISEASE; NEUROPATHY, CONGENITAL SENSORY; NEUROPATHY, HEREDITARY SENSORY RADICULAR, AUTOSOMAL RECESSIVE; NEUROPATHY, HEREDITARY SENSORY, TYPE IIA; NEUROPATHY, PROGRESSIVE SENSORY, OF CHILDREN; HSAN IIA. Identifiers: Orphanet 970, MedGen C2752089, MONDO:0024309, OMIM 201300.
Generalized epilepsy with febrile seizures plus, type 7 (GEFSP7). Also called: GEFS+, TYPE 7. Identifiers: Orphanet 36387, MedGen C2751778, MONDO:0013470, OMIM 613863.

Allele frequency attached by ClinVar (database versions not stated): gnomAD 0.00001; TOPMed 0.00002.
gnomAD v4.1: 7 of 1,595,496 alleles (0.00044%); highest among the groups gnomAD compares: Middle Eastern, 0.017%; no homozygotes.

Submissions (2):

Labcorp Genetics (formerly Invitae), Labcorp
Classification: Likely benign for Neuropathy, hereditary sensory and autonomic, type 2A; Generalized epilepsy with febrile seizures plus, type 7. Last evaluated: 2025-05-22. Review status: criteria provided, single submitter. Criteria: Invitae Variant Classification Sherloc (09022015). Collection method: clinical testing. Allele origin: germline.

PreventionGenetics, part of Exact Sciences
Classification: Likely benign for SCN9A-related condition. Last evaluated: 2019-08-08. Review status: no assertion criteria provided. Collection method: clinical testing. Allele origin: germline. Not counted in ClinVar's aggregate classification.
Comment: This variant is classified as likely benign based on ACMG/AMP sequence variant interpretation guidelines (Richards et al. 2015 PMID: 25741868, with internal and published modifications).

NM_001365536.1(SCN9A):c.4503+8A>T

Genes: SCN9A (sodium voltage-gated channel alpha subunit 9; minus strand), SCN1A-AS1 (SCN1A and SCN9A antisense RNA 1; plus strand). Cytogenetic location: 2q24.3.
Variant type: single nucleotide variant.
Coding change: c.4503+8A>T on transcript NM_001365536.1 (MANE Select); 8 bases into the intron after coding-DNA position 4503, A replaced by T.
Molecular consequence: intron variant.
Genome position (GRCh38, 1-based): chr2:166,204,352, T>A on the plus strand (A>T on the coding strand, the complement: SCN9A is on the minus strand). VCF-style: chr2-166204352-T-A. GRCh37 (hg19) VCF-style: chr2-167060862-T-A.
Other names: c.4470+8A>T (NM_002977.4).
Identifiers: ClinVar variation 1097960 (VCV001097960.11), dbSNP rs753899025, ClinGen allele CA59789440.